The following is an entry in ClinVar:

ClinVar aggregate classification (germline): Uncertain significance. Review status: criteria provided, single submitter (1 of 4 stars). 2 submissions from 2 submitters: Uncertain significance (1). 1 of the submissions does not count toward it. Last evaluated 2024-05-27.

Conditions:
Charcot-Marie-Tooth disease axonal type 2L. Also called: Charcot-Marie-Tooth Neuropathy Type 2L; CHARCOT-MARIE-TOOTH DISEASE, AXONAL, AUTOSOMAL DOMINANT, TYPE 2L; CHARCOT-MARIE-TOOTH NEUROPATHY, AXONAL, TYPE 2L. Identifiers: Orphanet 99945, MedGen C1837552, MONDO:0012096, OMIM 608673.
Peripheral neuropathy. Also called: Neuropathy. Identifiers: MedGen C0031117, MONDO:0005244, HP:0009830.

Allele frequency attached by ClinVar (database versions not stated): gnomAD exomes below 0.00001; TOPMed 0.00001.

Submissions (2):

Labcorp Genetics (formerly Invitae), Labcorp
Classification: Uncertain significance for Charcot-Marie-Tooth disease axonal type 2L. Last evaluated: 2024-05-27. Review status: criteria provided, single submitter. Criteria: Invitae Variant Classification Sherloc (09022015). Collection method: clinical testing. Allele origin: germline.
Comment: This sequence change replaces alanine, which is neutral and non-polar, with threonine, which is neutral and polar, at codon 147 of the HSPB8 protein (p.Ala147Thr). This variant is not present in population databases (gnomAD no frequency). This variant has not been reported in the literature in individuals affected with HSPB8-related conditions. ClinVar contains an entry for this variant (Variation ID: 1984126). An algorithm developed to predict the effect of missense changes on protein structure and function (PolyPhen-2) suggests that this variant is likely to be tolerated. In summary, the available evidence is currently insufficient to determine the role of this variant in disease. Therefore, it has been classified as a Variant of Uncertain Significance.

Institute of Human Genetics, University of Wuerzburg
Classification: Uncertain significance for Peripheral neuropathy. Review status: no assertion criteria provided. Collection method: clinical testing. Allele origin: unknown. Affected: yes. Observed: 1 variant allele. Not counted in ClinVar's aggregate classification.

NM_014365.3(HSPB8):c.439G>A (p.Ala147Thr)

Gene: HSPB8 (heat shock protein family B (small) member 8; plus strand). Cytogenetic location: 12q24.23.
Variant type: single nucleotide variant.
Coding change: c.439G>A on transcript NM_014365.3 (MANE Select); coding-DNA position 439, G replaced by A.
Protein change: p.Ala147Thr; replaces alanine 147 with threonine.
Molecular consequence: missense variant.
Genome position (GRCh38, 1-based): chr12:119,193,706, G>A. VCF-style: chr12-119193706-G-A. GRCh37 (hg19) VCF-style: chr12-119631511-G-A.
Other names: short protein forms A147T.
Identifiers: ClinVar variation 1984126 (VCV001984126.5), dbSNP rs1463622153, ClinGen allele CA386531747.